The following is an entry in ClinVar:

NM_004320.6(ATP2A1):c.1990G>A (p.Ala664Thr)

Gene: ATP2A1 (ATPase sarcoplasmic/endoplasmic reticulum Ca2+ transporting 1; plus strand). Cytogenetic location: 16p11.2.
Variant type: single nucleotide variant.
Coding change: c.1990G>A on transcript NM_004320.6 (MANE Select); coding-DNA position 1990, G replaced by A.
Protein change: p.Ala664Thr; replaces alanine 664 with threonine.
Molecular consequence: missense variant.
Genome position (GRCh38, 1-based): chr16:28,900,806, G>A. VCF-style: chr16-28900806-G-A. GRCh37 (hg19) VCF-style: chr16-28912127-G-A.
Other names: c.1615G>A, p.Ala539Thr (NM_001286075.2); c.1990G>A, p.Ala664Thr (NM_173201.5); short protein forms A664T, A539T.
Identifiers: ClinVar variation 647821 (VCV000647821.4), dbSNP rs764844913, ClinGen allele CA7987142.

ClinVar aggregate classification (germline): Uncertain significance (1 of 4 stars; one submission).

Conditions:
Brody myopathy. Also called: BRODY DISEASE. Identifiers: Orphanet 53347, MedGen C1832918, MONDO:0010977, OMIM 601003.

Allele frequency attached by ClinVar (database versions not stated): TOPMed below 0.00001; ExAC 0.00001; gnomAD 0.00001; gnomAD exomes 0.00001 and 0.00002.
gnomAD v4.1: 6 of 1,614,118 alleles (0.00037%); highest among the groups gnomAD compares: Admixed American, 0.01%; no homozygotes.

Submission:

Labcorp Genetics (formerly Invitae), Labcorp
Classification: Uncertain significance for Brody myopathy. Last evaluated: 2022-08-09. Review status: criteria provided, single submitter. Criteria: Invitae Variant Classification Sherloc (09022015). Collection method: clinical testing. Allele origin: germline.
Comment: This sequence change replaces alanine, which is neutral and non-polar, with threonine, which is neutral and polar, at codon 664 of the ATP2A1 protein (p.Ala664Thr). This variant is present in population databases (rs764844913, gnomAD 0.01%). This variant has not been reported in the literature in individuals affected with ATP2A1-related conditions. ClinVar contains an entry for this variant (Variation ID: 647821). Algorithms developed to predict the effect of missense changes on protein structure and function output the following: SIFT: "Tolerated"; PolyPhen-2: "Benign"; Align-GVGD: "Class C0". The threonine amino acid residue is found in multiple mammalian species, which suggests that this missense change does not adversely affect protein function. In summary, the available evidence is currently insufficient to determine the role of this variant in disease. Therefore, it has been classified as a Variant of Uncertain Significance.